The following is an entry in ClinVar:

ClinVar aggregate classification (germline): Uncertain significance (1 of 4 stars; one submission).

Submission:

ISCA site 4
Classification: Uncertain significance. Last evaluated: 2011-08-12. Review status: criteria provided, single submitter. Criteria: Kaminsky et al. (Genet Med. 2011). Collection method: clinical testing. Allele origin: maternal. Affected: yes. Observed: 1 variant allele.
Comment: Copy number variation identified through the course of routine clinical cytogenomic testing in postnatal populations. Clinical assertions have been curated as described in Kaminsky et al. 2011.

GRCh38/hg38 17p13.3(chr17:198748-722235)x3

Genes: LIAT1 (ligand of ATE1; plus strand), RFLNB (refilin B; minus strand), RPH3AL (rabphilin 3A like (without C2 domains)), RPH3AL-AS1 (RPH3AL antisense RNA 1), VPS53 (VPS53 subunit of GARP complex; minus strand) and 16 more. Cytogenetic location: 17p13.3.
Variant type: copy number gain.
Change: copy number 3 (three copies instead of two) of chr17:198,748-722,235 (523.5 kb, GRCh38 coordinates, 1-based), cytogenetic band 17p13.3.
Identifiers: ClinVar variation 57476 (VCV000057476.1).